The following is an entry in ClinVar:

ClinVar aggregate classification (germline): Conflicting classifications of pathogenicity. Review status: criteria provided, conflicting classifications (1 of 4 stars). 3 submissions from 3 submitters: Uncertain significance (1); Likely benign (2). Last evaluated 2025-07-30.

Conditions:
Multiple endocrine neoplasia, type 2 (MEN2). Identifiers: Orphanet 653, MedGen C4048306, MONDO:0019003. Disease mechanism: gain of function.
Hereditary cancer-predisposing syndrome. Also called: Tumor predisposition; Hereditary neoplastic syndrome; Hereditary Cancer Syndrome; Neoplastic Syndromes, Hereditary. Identifiers: Orphanet 140162, MedGen C0027672, MeSH D009386, MONDO:0015356.

Allele frequency attached by ClinVar (database versions not stated): gnomAD exomes below 0.00001.
gnomAD v4.1: 5 of 1,614,212 alleles (0.00031%); highest among the groups gnomAD compares: African/African-American, 0.0013%; no homozygotes.

Submissions (3):

Labcorp Genetics (formerly Invitae), Labcorp
Classification: Likely benign for Multiple endocrine neoplasia, type 2. Last evaluated: 2025-07-30. Review status: criteria provided, single submitter. Criteria: Invitae Variant Classification Sherloc (09022015). Collection method: clinical testing. Allele origin: germline.

GeneDx
Classification: Uncertain significance. Last evaluated: 2022-12-12. Review status: criteria provided, single submitter. Criteria: GeneDx Variant Classification Process June 2021. Collection method: clinical testing. Allele origin: germline. Affected: yes.
Comment: Not observed at significant frequency in large population cohorts (gnomAD); In silico analysis supports that this variant does not alter splicing; Has not been previously published as pathogenic or benign to our knowledge

Ambry Genetics
Classification: Likely benign for Hereditary cancer-predisposing syndrome. Last evaluated: 2020-05-07. Review status: criteria provided, single submitter. Criteria: Ambry Variant Classification Scheme 2023. Collection method: clinical testing. Allele origin: germline.

NM_020975.6(RET):c.3285A>G (p.Val1095=)

Gene: RET (ret proto-oncogene; plus strand). Cytogenetic location: 10q11.21.
Variant type: single nucleotide variant.
Coding change: c.3285A>G on transcript NM_020975.6 (MANE Select); coding-DNA position 3285, A replaced by G.
Protein change: p.Val1095=; no amino-acid change (valine 1095 retained).
Molecular consequence: synonymous variant.
Genome position (GRCh38, 1-based): chr10:43,128,209, A>G. VCF-style: chr10-43128209-A-G. GRCh37 (hg19) VCF-style: chr10-43623657-A-G.
Identifiers: ClinVar variation 938274 (VCV000938274.12), dbSNP rs1838376770, ClinGen allele CA469033760.